The following is an entry in ClinVar:

NM_001613.4(ACTA2):c.246C>G (p.Asp82Glu)

Gene: ACTA2 (actin alpha 2, smooth muscle; minus strand). Cytogenetic location: 10q23.31.
Variant type: single nucleotide variant.
Coding change: c.246C>G on transcript NM_001613.4 (MANE Select); coding-DNA position 246, C replaced by G.
Protein change: p.Asp82Glu; replaces aspartic acid 82 with glutamic acid.
Molecular consequence: missense variant.
Genome position (GRCh38, 1-based): chr10:88,947,270, G>C on the plus strand (C>G on the coding strand, the complement: ACTA2 is on the minus strand). VCF-style: chr10-88947270-G-C. GRCh37 (hg19) VCF-style: chr10-90707027-G-C.
Other names: p.Asp82Glu; c.246C>G, p.Asp82Glu (NM_001141945.3, NM_001320855.2, NM_001406462.1 and 4 more transcripts); short protein forms D82E.
Identifiers: ClinVar variation 536918 (VCV000536918.18), dbSNP rs1254836237, ClinGen allele CA377513303.

ClinVar aggregate classification (germline): Conflicting classifications of pathogenicity. Review status: criteria provided, conflicting classifications (1 of 4 stars). 4 submissions from 4 submitters: Pathogenic (1); Uncertain significance (3). Last evaluated 2026-03-04.

Conditions:
Familial thoracic aortic aneurysm and aortic dissection (TAAD). Also called: Thoracic aortic aneurysms and dissections. Identifiers: Orphanet 91387, MedGen C4707243, MONDO:0019625.
Aortic aneurysm, familial thoracic 6 (AAT6). Also called: FAMILIAL THORACIC AORTIC ANEURYSM WITH LIVEDO RETICULARIS AND IRIS FLOCCULI. Identifiers: MedGen C2673186, MONDO:0012730, OMIM 611788.

Submissions (4):

Ambry Genetics
Classification: Uncertain significance for Familial thoracic aortic aneurysm and aortic dissection. Last evaluated: 2026-03-04. Review status: criteria provided, single submitter. Criteria: Ambry Variant Classification Scheme 2023. Collection method: clinical testing. Allele origin: germline.
Comment: The p.D82E variant (also known as c.246C>G), located in coding exon 2 of the ACTA2 gene, results from a C to G substitution at nucleotide position 246. The aspartic acid at codon 82 is replaced by glutamic acid, an amino acid with highly similar properties. This alteration has been detected in a proband and parent with type A aortic dissections, and biopsy of aortic media showed reduced smooth muscle cell alpha-actin immunostaining (Disabella E et al. Heart, 2011 Feb;97:321-6). This amino acid position is highly conserved in available vertebrate species. In addition, this alteration is predicted to be deleterious by in silico analysis. Since supporting evidence is limited at this time, the clinical significance of this alteration remains unclear.

Labcorp Genetics (formerly Invitae), Labcorp
Classification: Pathogenic for Aortic aneurysm, familial thoracic 6. Last evaluated: 2026-02-03. Review status: criteria provided, single submitter. Criteria: Invitae Variant Classification Sherloc (09022015). Collection method: clinical testing. Allele origin: germline.
Comment: This sequence change replaces aspartic acid, which is acidic and polar, with glutamic acid, which is acidic and polar, at codon 82 of the ACTA2 protein (p.Asp82Glu). This variant is not present in population databases (gnomAD no frequency). This missense change has been observed in individuals with thoracic aortic aneurysm and dissection (PMID: 21212136; internal data). It has also been observed to segregate with disease in related individuals. ClinVar contains an entry for this variant (Variation ID: 536918). Invitae Evidence Modeling of protein sequence and biophysical properties (such as structural, functional, and spatial information, amino acid conservation, physicochemical variation, residue mobility, and thermodynamic stability) indicates that this missense variant is not expected to disrupt ACTA2 protein function with a negative predictive value of 80%. For these reasons, this variant has been classified as Pathogenic.

Women's Health and Genetics/Laboratory Corporation of America, LabCorp
Classification: Uncertain significance. Last evaluated: 2025-10-08. Review status: criteria provided, single submitter. Criteria: LabCorp Variant Classification Summary - May 2015. Collection method: clinical testing. Allele origin: germline.
Comment: Variant summary: ACTA2 c.246C>G (p.Asp82Glu) results in a conservative amino acid change in the encoded protein sequence. Algorithms developed to predict the effect of missense changes on protein structure and function are either unavailable or do not agree on the potential impact of this missense change. The variant was absent in 251234 control chromosomes. c.246C>G has been observed in the presumed heterozygous state in at least 1 individual affected with clinical features of Thoracic Aortic Aneurysms And Dissections (internal data). These data indicate that the variant may be associated with disease. To our knowledge, no experimental evidence demonstrating an impact on protein function has been reported. A different c. change with the same p. effect (c.256C>A, p.Asp82Glu) has been reported in the heterozygous state segregating in at least 2 related individuals with TAAD (Disabella_2011). The following publication has been ascertained in the context of this evaluation (PMID: 21212136). ClinVar contains an entry for this variant (Variation ID: 536918). Based on the evidence outlined above, the variant was classified as uncertain significance.

Mayo Clinic Laboratories, Mayo Clinic
Classification: Uncertain significance. Last evaluated: 2024-02-22. Review status: criteria provided, single submitter. Criteria: ACMG Guidelines, 2015. Collection method: clinical testing. Allele origin: germline. Observed: 1 variant allele.
Comment: PP1, PP2, PM2, PS4_moderate

Literature cited by the submitters: PubMed 21212136 (cited by 4 submitters); PubMed 28848449 (cited by Mayo Clinic Laboratories, Mayo Clinic).